The following is an entry in ClinVar:

ClinVar aggregate classification (germline): Uncertain significance (1 of 4 stars; one submission).

Conditions:
Fanconi anemia (FA). Also called: Fanconi's anemia. Identifiers: Orphanet 84, MedGen C0015625, MeSH D005199, MONDO:0019391.

Allele frequency attached by ClinVar (database versions not stated): gnomAD exomes below 0.00001.
gnomAD v4.1: 1 of 1,205,445 alleles (0.000083%); highest among the groups gnomAD compares: Non-Finnish European, 0.00011%; no homozygotes.

Submission:

Labcorp Genetics (formerly Invitae), Labcorp
Classification: Uncertain significance for Fanconi anemia. Last evaluated: 2025-11-25. Review status: criteria provided, single submitter. Criteria: Invitae Variant Classification Sherloc (09022015). Collection method: clinical testing. Allele origin: germline.
Comment: This sequence change replaces aspartic acid, which is acidic and polar, with valine, which is neutral and non-polar, at codon 647 of the FANCB protein (p.Asp647Val). This variant is present in population databases (no rsID available, gnomAD 0.001%), including at least one homozygous and/or hemizygous individual. This variant has not been reported in the literature in individuals affected with FANCB-related conditions. ClinVar contains an entry for this variant (Variation ID: 2897784). Invitae Evidence Modeling of protein sequence and biophysical properties (such as structural, functional, and spatial information, amino acid conservation, physicochemical variation, residue mobility, and thermodynamic stability) indicates that this missense variant is expected to disrupt FANCB protein function with a positive predictive value of 80%. Algorithms developed to predict the effect of sequence changes on RNA splicing suggest that this variant may create or strengthen a splice site. In summary, the available evidence is currently insufficient to determine the role of this variant in disease. Therefore, it has been classified as a Variant of Uncertain Significance.

NM_001018113.3(FANCB):c.1940A>T (p.Asp647Val)

Gene: FANCB (FA complementation group B; minus strand). Cytogenetic location: Xp22.2.
Variant type: single nucleotide variant.
Coding change: c.1940A>T on transcript NM_001018113.3 (MANE Select); coding-DNA position 1940, A replaced by T.
Protein change: p.Asp647Val; replaces aspartic acid 647 with valine.
Molecular consequence: missense variant.
Genome position (GRCh38, 1-based): chrX:14,844,728, T>A on the plus strand (A>T on the coding strand, the complement: FANCB is on the minus strand). VCF-style: chrX-14844728-T-A. GRCh37 (hg19) VCF-style: chrX-14862850-T-A.
Other names: c.1940A>T, p.Asp647Val (NM_001324162.2, NM_001410764.1, NM_152633.4); short protein forms D647V.
Identifiers: ClinVar variation 2897784 (VCV002897784.3), dbSNP rs1272423580, ClinGen allele CA412439228.